The following is an entry in ClinVar:

ClinVar aggregate classification (germline): Uncertain significance. Review status: criteria provided, multiple submitters, no conflicts (2 of 4 stars). 2 submissions from 2 submitters: Uncertain significance (2). Last evaluated 2025-10-27.

Conditions:
Hereditary cancer-predisposing syndrome. Also called: Neoplastic Syndromes, Hereditary; Hereditary Cancer Syndrome; Tumor predisposition; Hereditary neoplastic syndrome. Identifiers: Orphanet 140162, MedGen C0027672, MeSH D009386, MONDO:0015356.
Familial adenomatous polyposis 1 (FAP1). Also called: FAMILIAL ADENOMATOUS POLYPOSIS 1, ATTENUATED; POLYPOSIS, ADENOMATOUS INTESTINAL. Identifiers: MedGen C2713442, MONDO:0021056, OMIM 175100. Disease mechanism: loss of function.

Allele frequency attached by ClinVar (database versions not stated): gnomAD exomes below 0.00001.
gnomAD v4.1: 1 of 1,614,180 alleles (0.000062%); highest among the groups gnomAD compares: African/African-American, 0.0013%; no homozygotes.

Submissions (2):

Ambry Genetics
Classification: Uncertain significance for Hereditary cancer-predisposing syndrome. Last evaluated: 2025-10-27. Review status: criteria provided, single submitter. Criteria: Ambry Variant Classification Scheme 2023. Collection method: clinical testing. Allele origin: germline.
Comment: The p.S1327P variant (also known as c.3979T>C), located in coding exon 15 of the APC gene, results from a T to C substitution at nucleotide position 3979. The serine at codon 1327 is replaced by proline, an amino acid with similar properties. This amino acid position is conserved. In addition, in silico predictors for this gene do not accurately predict pathogenicity. Missense variants in APC are not a common cause of disease (Spier I et al. Genet Med. 2024 Feb;26(2):100992). Based on the available evidence, the clinical significance of this variant remains unclear.

Labcorp Genetics (formerly Invitae), Labcorp
Classification: Uncertain significance for Familial adenomatous polyposis 1. Last evaluated: 2025-04-14. Review status: criteria provided, single submitter. Criteria: Invitae Variant Classification Sherloc (09022015). Collection method: clinical testing. Allele origin: germline.
Comment: This sequence change replaces serine, which is neutral and polar, with proline, which is neutral and non-polar, at codon 1327 of the APC protein (p.Ser1327Pro). This variant is not present in population databases (gnomAD no frequency). This variant has not been reported in the literature in individuals affected with APC-related conditions. ClinVar contains an entry for this variant (Variation ID: 1039581). Invitae Evidence Modeling of protein sequence and biophysical properties (such as structural, functional, and spatial information, amino acid conservation, physicochemical variation, residue mobility, and thermodynamic stability) indicates that this missense variant is not expected to disrupt APC protein function with a negative predictive value of 95%. In summary, the available evidence is currently insufficient to determine the role of this variant in disease. Therefore, it has been classified as a Variant of Uncertain Significance.

NM_000038.6(APC):c.3979T>C (p.Ser1327Pro)

Gene: APC (APC regulator of Wnt signaling pathway; plus strand). Cytogenetic location: 5q22.2.
Variant type: single nucleotide variant.
Coding change: c.3979T>C on transcript NM_000038.6 (MANE Select); coding-DNA position 3979, T replaced by C.
Protein change: p.Ser1327Pro; replaces serine 1327 with proline.
Molecular consequence: missense variant.
Genome position (GRCh38, 1-based): chr5:112,839,573, T>C. VCF-style: chr5-112839573-T-C. GRCh37 (hg19) VCF-style: chr5-112175270-T-C.
Other names: c.3979T>C, p.Ser1327Pro (NM_001127510.3, NM_001354895.2); c.3925T>C, p.Ser1309Pro (NM_001127511.3); c.4033T>C, p.Ser1345Pro (NM_001354896.2); c.4009T>C, p.Ser1337Pro (NM_001354897.2); c.3904T>C, p.Ser1302Pro (NM_001354898.2); c.3895T>C, p.Ser1299Pro (NM_001354899.2); c.3856T>C, p.Ser1286Pro (NM_001354900.2); c.3802T>C, p.Ser1268Pro (NM_001354901.2); and 5 more; short protein forms S1302P, S1309P, S1327P, S1044P, S1236P, S1337P, S1345P, S1167P.
Identifiers: ClinVar variation 1039581 (VCV001039581.13), dbSNP rs1765573182, ClinGen allele CA16030056.